The following is an entry in ClinVar:

NM_001365951.3(KIF1B):c.1435-5C>G

Gene: KIF1B (kinesin family member 1B; plus strand). Cytogenetic location: 1p36.22.
Variant type: single nucleotide variant.
Coding change: c.1435-5C>G on transcript NM_001365951.3 (MANE Select); 5 bases into the intron before coding-DNA position 1435, C replaced by G.
Molecular consequence: intron variant.
Genome position (GRCh38, 1-based): chr1:10,291,077, C>G. VCF-style: chr1-10291077-C-G. GRCh37 (hg19) VCF-style: chr1-10351135-C-G.
Other names: c.1297-5C>G (NM_183416.4, NM_015074.3, NM_001365953.1); c.1435-5C>G (NM_001365952.1).
Identifiers: ClinVar variation 3226347 (VCV003226347.2), dbSNP rs2521348065, ClinGen allele CA2643177842.

ClinVar aggregate classification (germline): Uncertain significance (1 of 4 stars; one submission).

Allele frequency attached by ClinVar (database versions not stated): gnomAD exomes below 0.00001.
gnomAD v4.1: 2 of 1,611,530 alleles (0.00012%); highest among the groups gnomAD compares: Non-Finnish European, 0.00017%; no homozygotes.

Submission:

Ambry Genetics
Classification: Uncertain significance. Last evaluated: 2024-12-26. Review status: criteria provided, single submitter. Criteria: Ambry Variant Classification Scheme 2023. Collection method: clinical testing. Allele origin: germline.
Comment: The c.1297-5C>G intronic variant results from a C to G substitution 5 nucleotides upstream from coding exon 13 in the KIF1B gene. This nucleotide position is well conserved in available vertebrate species. In silico splice site analysis for this alteration is inconclusive. The evidence for this gene-disease relationship is limited; therefore, the clinical significance of this alteration is unclear.